The following is an entry in ClinVar:

ClinVar aggregate classification (germline): Pathogenic (1 of 4 stars; one submission).

Conditions:
Multiple congenital exostosis (EXT). Also called: MULTIPLE CARTILAGINOUS EXOSTOSES; Hereditary multiple osteochondromas; Multiple exostoses; Hereditary multiple exostoses; Hereditary multiple exostosis; Multiple osteochondromas. Identifiers: Orphanet 321, MedGen C0015306, MONDO:0005508, HP:0002762.

Submission:

Labcorp Genetics (formerly Invitae), Labcorp
Classification: Pathogenic for Multiple congenital exostosis. Last evaluated: 2024-10-07. Review status: criteria provided, single submitter. Criteria: Invitae Variant Classification Sherloc (09022015). Collection method: clinical testing. Allele origin: germline.
Comment: This sequence change replaces alanine, which is neutral and non-polar, with aspartic acid, which is acidic and polar, at codon 331 of the EXT1 protein (p.Ala331Asp). This variant is not present in population databases (gnomAD no frequency). This missense change has been observed in individual(s) with multiple osteochondromas (PMID: 18165274, 19810120). ClinVar contains an entry for this variant (Variation ID: 456065). Invitae Evidence Modeling of protein sequence and biophysical properties (such as structural, functional, and spatial information, amino acid conservation, physicochemical variation, residue mobility, and thermodynamic stability) indicates that this missense variant is expected to disrupt EXT1 protein function with a positive predictive value of 80%. For these reasons, this variant has been classified as Pathogenic.

Literature cited by the submitters: PubMed 18165274; PubMed 19810120.

NM_000127.3(EXT1):c.992C>A (p.Ala331Asp)

Gene: EXT1 (exostosin glycosyltransferase 1; minus strand). Cytogenetic location: 8q24.11.
Variant type: single nucleotide variant.
Coding change: c.992C>A on transcript NM_000127.3 (MANE Select); coding-DNA position 992, C replaced by A.
Protein change: p.Ala331Asp; replaces alanine 331 with aspartic acid.
Molecular consequence: missense variant.
Genome position (GRCh38, 1-based): chr8:117,837,172, G>T on the plus strand (C>A on the coding strand, the complement: EXT1 is on the minus strand). VCF-style: chr8-117837172-G-T. GRCh37 (hg19) VCF-style: chr8-118849411-G-T.
Other names: short protein forms A331D.
Identifiers: ClinVar variation 456065 (VCV000456065.6), dbSNP rs1554580153, ClinGen allele CA371893338.